The following is an entry in ClinVar:

ClinVar aggregate classification (germline): Uncertain significance. Review status: criteria provided, multiple submitters, no conflicts (2 of 4 stars). 2 submissions from 2 submitters: Uncertain significance (2). Last evaluated 2024-12-18.

Allele frequency attached by ClinVar (database versions not stated): gnomAD 0.00002; gnomAD exomes 0.00008; ExAC 0.03896.
gnomAD v4.1: 117 of 1,611,086 alleles (0.0073%); highest among the groups gnomAD compares: Non-Finnish European, 0.0093%; no homozygotes.

Submissions (2):

GeneDx
Classification: Uncertain significance. Last evaluated: 2024-12-18. Review status: criteria provided, single submitter. Criteria: GeneDx Variant Classification Process June 2021. Collection method: clinical testing. Allele origin: germline. Affected: yes.
Comment: In silico analysis supports that this missense variant has a deleterious effect on protein structure/function; Has not been previously published as pathogenic or benign to our knowledge

Breakthrough Genomics
Classification: Uncertain significance. Review status: criteria provided, single submitter. Criteria: ACMG Guidelines, 2015. Collection method: not provided. Allele origin: germline. Inheritance: Autosomal recessive inheritance. Affected: yes.

NM_004667.6(HERC2):c.3631C>T (p.Arg1211Cys)

Gene: HERC2 (HECT and RLD domain containing E3 ubiquitin protein ligase 2; minus strand). Cytogenetic location: 15q13.1.
Variant type: single nucleotide variant.
Coding change: c.3631C>T on transcript NM_004667.6 (MANE Select); coding-DNA position 3631, C replaced by T.
Protein change: p.Arg1211Cys; replaces arginine 1211 with cysteine.
Molecular consequence: missense variant.
Genome position (GRCh38, 1-based): chr15:28,238,719, G>A on the plus strand (C>T on the coding strand, the complement: HERC2 is on the minus strand). VCF-style: chr15-28238719-G-A. GRCh37 (hg19) VCF-style: chr15-28483865-G-A.
Other names: short protein forms R1211C.
Identifiers: ClinVar variation 1217151 (VCV001217151.6), dbSNP rs74898827, ClinGen allele CA7442855.